The following is an entry in ClinVar:

ClinVar aggregate classification (germline): Uncertain significance (1 of 4 stars; one submission).

Submission:

Labcorp Genetics (formerly Invitae), Labcorp
Classification: Uncertain significance. Last evaluated: 2025-08-31. Review status: criteria provided, single submitter. Criteria: Invitae Variant Classification Sherloc (09022015). Collection method: clinical testing. Allele origin: germline.
Comment: This sequence change replaces phenylalanine, which is neutral and non-polar, with leucine, which is neutral and non-polar, at codon 2074 of the PIEZO1 protein (p.Phe2074Leu). This variant is not present in population databases (gnomAD no frequency). This variant has not been reported in the literature in individuals affected with PIEZO1-related conditions. Invitae Evidence Modeling of protein sequence and biophysical properties (such as structural, functional, and spatial information, amino acid conservation, physicochemical variation, residue mobility, and thermodynamic stability) indicates that this missense variant is not expected to disrupt PIEZO1 protein function with a negative predictive value of 80%. In summary, the available evidence is currently insufficient to determine the role of this variant in disease. Therefore, it has been classified as a Variant of Uncertain Significance.

NM_001142864.4(PIEZO1):c.6222C>A (p.Phe2074Leu)

Gene: PIEZO1 (piezo type mechanosensitive ion channel component 1 (Er blood group); minus strand). Cytogenetic location: 16q24.3.
Variant type: single nucleotide variant.
Coding change: c.6222C>A on transcript NM_001142864.4 (MANE Select); coding-DNA position 6222, C replaced by A.
Protein change: p.Phe2074Leu; replaces phenylalanine 2074 with leucine.
Molecular consequence: missense variant.
Genome position (GRCh38, 1-based): chr16:88,719,903, G>T on the plus strand (C>A on the coding strand, the complement: PIEZO1 is on the minus strand). VCF-style: chr16-88719903-G-T. GRCh37 (hg19) VCF-style: chr16-88786311-G-T.
Other names: short protein forms F2074L.
Identifiers: ClinVar variation 4743056 (VCV004743056.1).